The following is an entry in ClinVar:

NM_003001.5(SDHC):c.396C>G (p.Ile132Met)

Gene: SDHC (succinate dehydrogenase complex subunit C; plus strand). Cytogenetic location: 1q23.3.
Variant type: single nucleotide variant.
Coding change: c.396C>G on transcript NM_003001.5 (MANE Select); coding-DNA position 396, C replaced by G.
Protein change: p.Ile132Met; replaces isoleucine 132 with methionine.
Molecular consequence: missense variant. On other transcripts: non-coding transcript variant (1), intron variant (3).
Genome position (GRCh38, 1-based): chr1:161,356,831, C>G. VCF-style: chr1-161356831-C-G. GRCh37 (hg19) VCF-style: chr1-161326621-C-G.
Other names: c.294C>G, p.Ile98Met (NM_001035512.3); c.237C>G, p.Ile79Met (NM_001035513.3); c.516C>G, p.Ile172Met (NM_001407115.1); c.339C>G, p.Ile113Met (NM_001407116.1); c.333C>G, p.Ile111Met (NM_001407117.1); c.288C>G, p.Ile96Met (NM_001407118.1); c.285C>G, p.Ile95Met (NM_001407119.1, NM_001407120.1); c.242-5498C>G (NM_001035511.3); and 2 more; short protein forms I111M, I113M, I132M, I95M, I172M, I79M, I96M, I98M.
Identifiers: ClinVar variation 4548144 (VCV004548144.1).
Genomic context (GRCh38, chr1:161,356,831, plus strand): 5'-GATCCACACAGCTAAGTTTGCACTTGTCTTCCCTCTCATGTATCATACCTGGAATGGGAT[C>G]CGACACTTGGTAAGTTAATTCGGGATTTGCACATTTTCTCTGTGAAGGGAGTGGGGAGAC-3'
Protein context (NP_002992.1, residues 122-142): FPLMYHTWNG[Ile132Met]RHLMWDLGKG

ClinVar aggregate classification (germline): Uncertain significance (1 of 4 stars; one submission).

Conditions:
Hereditary cancer-predisposing syndrome. Also called: Tumor predisposition; Hereditary Cancer Syndrome; Hereditary neoplastic syndrome; Neoplastic Syndromes, Hereditary. Identifiers: Orphanet 140162, MedGen C0027672, MeSH D009386, MONDO:0015356.

gnomAD v4.1: 1 of 1,614,058 alleles (0.000062%); highest among the groups gnomAD compares: South Asian, 0.0011%; no homozygotes.

Submission:

Ambry Genetics
Classification: Uncertain significance for Hereditary cancer-predisposing syndrome. Last evaluated: 2025-11-08. Review status: criteria provided, single submitter. Criteria: Ambry Variant Classification Scheme 2023. Collection method: clinical testing. Allele origin: germline.
Comment: The p.I132M variant (also known as c.396C>G), located in coding exon 5 of the SDHC gene, results from a C to G substitution at nucleotide position 396. The isoleucine at codon 132 is replaced by methionine, an amino acid with highly similar properties. This amino acid position is conserved. In addition, this alteration is predicted to be deleterious by in silico analysis. Based on the available evidence, the clinical significance of this variant remains unclear.